The following is an entry in ClinVar:

ClinVar aggregate classification (germline): Conflicting classifications of pathogenicity. Review status: criteria provided, conflicting classifications (1 of 4 stars). 3 submissions from 3 submitters: Uncertain significance (1); Likely benign (2). Last evaluated 2026-08-25.

Conditions:
EFTUD2-related disorder. Also called: EFTUD2-related condition.

Allele frequency attached by ClinVar (database versions not stated): ExAC 0.00003; gnomAD 0.00004 and 0.00005; gnomAD exomes 0.00004; TOPMed 0.00004; 1000 Genomes Project 0.00020; 1000 Genomes Project 30x 0.00031.
gnomAD v4.1: 39 of 1,589,488 alleles (0.0025%); highest among the groups gnomAD compares: Admixed American, 0.03%; no homozygotes.

Submissions (3):

PreventionGenetics, part of Exact Sciences
Classification: Likely benign for EFTUD2-related condition. Last evaluated: 2026-08-25. Review status: criteria provided, single submitter. Criteria: ACMG Guidelines, 2015. Collection method: clinical testing. Allele origin: germline.
Comment: This variant is classified as likely benign based on ACMG/AMP sequence variant interpretation guidelines (Richards et al. 2015 PMID: 25741868, with internal and published modifications).

Labcorp Genetics (formerly Invitae), Labcorp
Classification: Uncertain significance. Last evaluated: 2025-12-01. Review status: criteria provided, single submitter. Criteria: Invitae Variant Classification Sherloc (09022015). Collection method: clinical testing. Allele origin: germline.
Comment: This sequence change falls in intron 27 of the EFTUD2 gene. It does not directly change the encoded amino acid sequence of the EFTUD2 protein. It affects a nucleotide within the consensus splice site. This variant is present in population databases (rs566188193, gnomAD 0.02%). This variant has not been reported in the literature in individuals affected with EFTUD2-related conditions. ClinVar contains an entry for this variant (Variation ID: 1382358). Variants that disrupt the consensus splice site are a relatively common cause of aberrant splicing (PMID: 17576681, 9536098). Algorithms developed to predict the effect of sequence changes on RNA splicing suggest that this variant is not likely to affect RNA splicing. In summary, the available evidence is currently insufficient to determine the role of this variant in disease. Therefore, it has been classified as a Variant of Uncertain Significance.

Blueprint Genetics
Classification: Likely benign. Last evaluated: 2024-09-06. Review status: criteria provided, single submitter. Criteria: ACMG Guidelines, 2015. Collection method: clinical testing. Allele origin: germline.

Literature cited by the submitters: PubMed 17576681 (cited by Labcorp Genetics (formerly Invitae), Labcorp); PubMed 9536098 (cited by Labcorp Genetics (formerly Invitae), Labcorp).

NM_004247.4(EFTUD2):c.2823+3A>G

Gene: EFTUD2 (elongation factor Tu GTP binding domain containing 2; minus strand). Cytogenetic location: 17q21.31.
Variant type: single nucleotide variant.
Coding change: c.2823+3A>G on transcript NM_004247.4 (MANE Select); 3 bases into the intron after coding-DNA position 2823, A replaced by G.
Molecular consequence: intron variant.
Genome position (GRCh38, 1-based): chr17:44,851,707, T>C on the plus strand (A>G on the coding strand, the complement: EFTUD2 is on the minus strand). VCF-style: chr17-44851707-T-C. GRCh37 (hg19) VCF-style: chr17-42929075-T-C.
Other names: c.2718+3A>G (NM_001142605.2); c.2793+3A>G (NM_001258354.2); c.2823+3A>G (NM_001258353.2, NM_004247.3).
Identifiers: ClinVar variation 1382358 (VCV001382358.8), dbSNP rs566188193, ClinGen allele CA8607396.
Genomic context (GRCh38, chr17:44,851,707, plus strand): 5'-GAGATCCTGCTTCTGAGAGTCCTGGGGGGTTGAGGGATGGCAACAGGCCCAAGGGAGACA[T>C]ACCTTCCTACGGCGGGTTTTGATCATGAATTCCCGGGCCAGGTGAGGAGCTGGCTGTGGC-3'